The following is an entry in ClinVar:

NM_012330.4(KAT6B):c.6001A>G (p.Met2001Val)

Gene: KAT6B (lysine acetyltransferase 6B; plus strand). Cytogenetic location: 10q22.2.
Variant type: single nucleotide variant.
Coding change: c.6001A>G on transcript NM_012330.4 (MANE Select); coding-DNA position 6001, A replaced by G.
Protein change: p.Met2001Val; replaces methionine 2001 with valine.
Molecular consequence: missense variant.
Genome position (GRCh38, 1-based): chr10:75,030,825, A>G. VCF-style: chr10-75030825-A-G. GRCh37 (hg19) VCF-style: chr10-76790583-A-G.
Other names: c.5452A>G, p.Met1818Val (NM_001256468.2, NM_001370138.1); c.5125A>G, p.Met1709Val (NM_001256469.2, NM_001370139.1, NM_001370140.1 and 2 more transcripts); c.4963A>G, p.Met1655Val (NM_001370132.1); c.4312A>G, p.Met1438Val (NM_001370133.1); c.3916A>G, p.Met1306Val (NM_001370134.1); c.3658A>G, p.Met1220Val (NM_001370135.1); c.6001A>G, p.Met2001Val (NM_001370136.1, NM_001370137.1); c.4936A>G, p.Met1646Val (NM_001370143.1, NM_001370144.1); and 1 more; short protein forms M1220V, M1306V, M1438V, M1646V, M1655V, M1709V, M1818V, M2001V.
Identifiers: ClinVar variation 2413529 (VCV002413529.8), dbSNP rs1022629615, ClinGen allele CA209711324.
Genomic context (GRCh38, chr10:75,030,825, plus strand): 5'-TCTGTGAACATGAACATGAACACTCTCAACGCCATGAATGGGTACAGCATGTCCCAGCCA[A>G]TGATGAACAGTGGCTACCACAGCAATCATGGCTATATGAATCAAACGCCCCAATACCCTA-3'
Protein context (NP_036462.2, residues 1991-2011): AMNGYSMSQP[Met2001Val]MNSGYHSNHG

ClinVar aggregate classification (germline): Uncertain significance. Review status: criteria provided, multiple submitters, no conflicts (2 of 4 stars). 2 submissions from 2 submitters: Uncertain significance (2). Last evaluated 2022-08-29.

Conditions:
Genitopatellar syndrome (GTPTS). Also called: Genitopatellar syndrome (GPS); ABSENT PATELLAE, SCROTAL HYPOPLASIA, RENAL ANOMALIES, FACIAL DYSMORPHISM, AND MENTAL RETARDATION. Identifiers: Orphanet 85201, MedGen C1853566, MONDO:0011640, OMIM 606170.

Allele frequency attached by ClinVar (database versions not stated): gnomAD 0.00001; TOPMed 0.00001.
gnomAD v4.1: 11 of 1,614,136 alleles (0.00068%); highest among the groups gnomAD compares: African/African-American, 0.0013%; no homozygotes.

Submissions (2):

GeneDx
Classification: Uncertain significance. Last evaluated: 2022-08-29. Review status: criteria provided, single submitter. Criteria: GeneDx Variant Classification Process June 2021. Collection method: clinical testing. Allele origin: germline. Affected: yes.
Comment: In silico analysis supports that this missense variant has a deleterious effect on protein structure/function; Has not been previously published as pathogenic or benign to our knowledge

Labcorp Genetics (formerly Invitae), Labcorp
Classification: Uncertain significance for Genitopatellar syndrome. Last evaluated: 2022-08-21. Review status: criteria provided, single submitter. Criteria: Invitae Variant Classification Sherloc (09022015). Collection method: clinical testing. Allele origin: germline.
Comment: This variant is present in population databases (no rsID available, gnomAD 0.0009%). This sequence change replaces methionine, which is neutral and non-polar, with valine, which is neutral and non-polar, at codon 2001 of the KAT6B protein (p.Met2001Val). In summary, the available evidence is currently insufficient to determine the role of this variant in disease. Therefore, it has been classified as a Variant of Uncertain Significance. Algorithms developed to predict the effect of missense changes on protein structure and function are either unavailable or do not agree on the potential impact of this missense change (SIFT: "Tolerated"; PolyPhen-2: "Probably Damaging"; Align-GVGD: "Class C0"). This variant has not been reported in the literature in individuals affected with KAT6B-related conditions.